The following is an entry in ClinVar:

ClinVar aggregate classification (germline): Likely pathogenic (1 of 4 stars; one submission).

Conditions:
Hemochromatosis type 3 (HFE3). Also called: HEMOCHROMATOSIS DUE TO DEFECT IN TRANSFERRIN RECEPTOR 2; Hereditary hemochromatosis type 3; TFR2-Related Hemochromatosis. Identifiers: Orphanet 225123, MedGen C1858664, MONDO:0011417, OMIM 604250.

Submission:

Natera, Inc.
Classification: Likely pathogenic for Hereditary hemochromatosis type 3. Last evaluated: 2025-01-06. Review status: criteria provided, single submitter. Criteria: Natera Variant Classification Schema (03/2026). Collection method: clinical testing. Allele origin: germline.
Comment: The c.400A>T variant in TFR2 is a nonsense variant predicted to introduce a stop codon at amino acid 134. This variant is expected to result in nonsense mediated decay, truncation, or a dysfunctional protein product. This variant is rare in the general population with a frequency below the threshold expected for the associated phenotype(s). Given the available evidence, this variant is classified as Likely Pathogenic.

NM_003227.4(TFR2):c.400A>T (p.Arg134Ter)

Gene: TFR2 (transferrin receptor 2; minus strand). Cytogenetic location: 7q22.1.
Variant type: single nucleotide variant.
Coding change: c.400A>T on transcript NM_003227.4 (MANE Select); coding-DNA position 400, A replaced by T.
Protein change: p.Arg134Ter; replaces arginine 134 with a stop codon.
Molecular consequence: nonsense.
Genome position (GRCh38, 1-based): chr7:100,640,759, T>A on the plus strand (A>T on the coding strand, the complement: TFR2 is on the minus strand). VCF-style: chr7-100640759-T-A. GRCh37 (hg19) VCF-style: chr7-100238382-T-A.
Other names: short protein forms R134*.
Identifiers: ClinVar variation 4815109 (VCV004815109.1).